The following is an entry in ClinVar:

NM_001127222.2(CACNA1A):c.2538C>G (p.Asp846Glu)

Gene: CACNA1A (calcium voltage-gated channel subunit alpha1 A; minus strand). Cytogenetic location: 19p13.13.
Variant type: single nucleotide variant.
Coding change: c.2538C>G on transcript NM_001127222.2 (MANE Select); coding-DNA position 2538, C replaced by G.
Protein change: p.Asp846Glu; replaces aspartic acid 846 with glutamic acid.
Molecular consequence: missense variant.
Genome position (GRCh38, 1-based): chr19:13,299,095, G>C on the plus strand (C>G on the coding strand, the complement: CACNA1A is on the minus strand). VCF-style: chr19-13299095-G-C. GRCh37 (hg19) VCF-style: chr19-13409909-G-C.
Other names: c.2550C>G, p.Asp850Glu (NM_000068.4, NM_023035.3); c.2541C>G, p.Asp847Glu (NM_001127221.2, NM_001174080.2); short protein forms D850E, D847E, D846E.
Identifiers: ClinVar variation 4791674 (VCV004791674.1).

ClinVar aggregate classification (germline): Uncertain significance (1 of 4 stars; one submission).

Conditions:
Episodic ataxia type 2 (EA2). Also called: ACETAZOLAMIDE-RESPONSIVE HEREDITARY PAROXYSMAL CEREBELLAR ATAXIA; ATAXIA, EPISODIC, WITH NYSTAGMUS; ATAXIA, FAMILIAL PAROXYSMAL; CEREBELLAR ATAXIA, PAROXYSMAL, ACETAZOLAMIDE-RESPONSIVE; CEREBELLOPATHY, HEREDITARY PAROXYSMAL; EPISODIC ATAXIA, NYSTAGMUS-ASSOCIATED. Identifiers: Orphanet 97, MedGen C1720416, MONDO:0007163, OMIM 108500.
Developmental and epileptic encephalopathy, 42 (DEE42A). Also called: Epileptic encephalopathy, early infantile, 42; DEVELOPMENTAL AND EPILEPTIC ENCEPHALOPATHY 42A; EPILEPTIC ENCEPHALOPATHY, EARLY INFANTILE, 42A. Identifiers: MedGen C4310716, MONDO:0014917, OMIM 617106.

gnomAD v4.1: 3 of 1,611,628 alleles (0.00019%); highest among the groups gnomAD compares: South Asian, 0.0033%; no homozygotes.

Submission:

Labcorp Genetics (formerly Invitae), Labcorp
Classification: Uncertain significance for Developmental and epileptic encephalopathy, 42; Episodic ataxia type 2. Last evaluated: 2025-10-24. Review status: criteria provided, single submitter. Criteria: Invitae Variant Classification Sherloc (09022015). Collection method: clinical testing. Allele origin: germline.
Comment: This sequence change replaces aspartic acid, which is acidic and polar, with glutamic acid, which is acidic and polar, at codon 847 of the CACNA1A protein (p.Asp847Glu). This variant is not present in population databases (gnomAD no frequency). This variant has not been reported in the literature in individuals affected with CACNA1A-related conditions. Invitae Evidence Modeling of protein sequence and biophysical properties (such as structural, functional, and spatial information, amino acid conservation, physicochemical variation, residue mobility, and thermodynamic stability) indicates that this missense variant is not expected to disrupt CACNA1A protein function with a negative predictive value of 95%. In summary, the available evidence is currently insufficient to determine the role of this variant in disease. Therefore, it has been classified as a Variant of Uncertain Significance.